The following is an entry in ClinVar:

ClinVar aggregate classification (germline): Likely pathogenic. Review status: criteria provided, multiple submitters, no conflicts (2 of 4 stars). 3 submissions from 3 submitters: Likely pathogenic (2). 1 of the submissions does not count toward it. Last evaluated 2023-09-04.

Conditions:
Arginase deficiency. Also called: ARGININEMIA; ARG1 DEFICIENCY; Arginase 1 Deficiency. Identifiers: Orphanet 90, MedGen C0268548, MONDO:0008814, OMIM 207800.

Submissions (3):

3billion
Classification: Likely pathogenic for Arginase deficiency. Last evaluated: 2023-09-04. Review status: criteria provided, single submitter. Criteria: ACMG Guidelines, 2015. Collection method: clinical testing. Allele origin: germline. Affected: yes.
Comment: The variant is not observed in the gnomAD v2.1.1 dataset. Predicted Consequence/Location: Stop-gained (nonsense): predicted to result in a loss or disruption of normal protein function through protein truncation. The predicted truncated protein may be shortened by more than 10%. The variant has been reported to be associated with ARG1-related disorder (ClinVar ID: VCV000557951). Therefore, this variant is classified as Likely pathogenic according to the recommendation of ACMG/AMP guideline.

Baylor Genetics
Classification: Likely pathogenic for Arginase deficiency. Last evaluated: 2023-06-19. Review status: criteria provided, single submitter. Criteria: ACMG Guidelines, 2015. Collection method: clinical testing. Allele origin: unknown.

Counsyl
Classification: Likely pathogenic for Arginase deficiency. Last evaluated: 2018-04-18. Review status: no assertion criteria provided. Collection method: clinical testing. Allele origin: unknown. Not counted in ClinVar's aggregate classification.

NM_000045.4(ARG1):c.787G>T (p.Glu263Ter)

Genes: ARG1 (arginase 1; plus strand), MED23 (mediator complex subunit 23; minus strand). Cytogenetic location: 6q23.2.
Variant type: single nucleotide variant.
Coding change: c.787G>T on transcript NM_000045.4 (MANE Select); coding-DNA position 787, G replaced by T.
Protein change: p.Glu263Ter; replaces glutamic acid 263 with a stop codon.
Molecular consequence: nonsense. On other transcripts: non-coding transcript variant (1), intron variant (2).
Genome position (GRCh38, 1-based): chr6:131,583,476, G>T. VCF-style: chr6-131583476-G-T. GRCh37 (hg19) VCF-style: chr6-131904616-G-T.
Other names: c.811G>T, p.Glu271Ter (NM_001244438.2); c.532G>T, p.Glu178Ter (NM_001369020.1); c.4077+4233C>A (NM_001270521.2); c.4095+4233C>A (NM_015979.4); short protein forms E263*, E178*, E271*.
Identifiers: ClinVar variation 557951 (VCV000557951.6), dbSNP rs747579073, ClinGen allele CA365653274.